The following is an entry in ClinVar:

NM_001029883.3(PCARE):c.3669-5_3669-4insCA

Gene: PCARE (photoreceptor cilium actin regulator; minus strand). Cytogenetic location: 2p23.2.
Variant type: Insertion.
Coding change: c.3669-5_3669-4insCA on transcript NM_001029883.3 (MANE Select); 5 bases into the intron before coding-DNA position 3669 through 4 bases into the intron before coding-DNA position 3669, CA inserted.
Molecular consequence: intron variant.
Genome position: GRCh38 VCF-style: chr2-29065071-C-CTG. GRCh37 (hg19) VCF-style: chr2-29287937-C-CTG.
Other names: c.3669-5_3669-4insCA (NM_001029883.2).
Identifiers: ClinVar variation 4954406 (VCV004954406.2).

ClinVar aggregate classification (germline): Likely benign. Review status: criteria provided, multiple submitters, no conflicts (2 of 4 stars). 2 submissions from 2 submitters: Likely benign (2). Last evaluated 2025-10-30.

Conditions:
PCARE-related disorder. Also called: PCARE-related condition.

Submissions (2):

PreventionGenetics, part of Exact Sciences
Classification: Likely benign for PCARE-related condition. Last evaluated: 2025-10-30. Review status: criteria provided, single submitter. Criteria: ACMG Guidelines, 2015. Collection method: clinical testing. Allele origin: germline.
Comment: This variant is classified as likely benign based on ACMG/AMP sequence variant interpretation guidelines (Richards et al. 2015 PMID: 25741868, with internal and published modifications).

Blueprint Genetics
Classification: Likely benign. Last evaluated: 2024-11-25. Review status: criteria provided, single submitter. Criteria: ACMG Guidelines, 2015. Collection method: clinical testing. Allele origin: germline.